The following is an entry in ClinVar:

ClinVar aggregate classification (germline): Pathogenic/Likely pathogenic. Review status: criteria provided, multiple submitters, no conflicts (2 of 4 stars). 2 submissions from 2 submitters: Pathogenic (1); Likely pathogenic (1). Last evaluated 2021-12-08.

Conditions:
Neonatal diabetes mellitus with congenital hypothyroidism. Also called: NDH SYNDROME. Identifiers: Orphanet 79118, MedGen C1857775, MONDO:0012436, OMIM 610199.

Submissions (2):

Fulgent Genetics
Classification: Pathogenic for Neonatal diabetes mellitus with congenital hypothyroidism. Last evaluated: 2021-12-08. Review status: criteria provided, single submitter. Criteria: ACMG Guidelines, 2015. Collection method: clinical testing. Allele origin: unknown.

Laboratory for Molecular Medicine, Mass General Brigham Personalized Medicine
Classification: Likely pathogenic for Diabetes mellitus, neonatal, with congenital hypothyroidism. Last evaluated: 2017-08-29. Review status: criteria provided, single submitter. Criteria: LMM Criteria. Collection method: clinical testing. Allele origin: germline. Inheritance: Autosomal recessive inheritance. Observed: 1 variant allele.
Comment: The p.Asn192X (NM001042413.1 c.571_572dupCT) variant in GLIS3 has not been repor ted in the literature and was absent from large population studies. This variant alters the reading frame and leads to a premature termination codon at position 192, which is predicted to lead to a truncated or absent protein. Biallelic los s of function of the GLIS3 gene has been associated with neonatal diabetes melli tus with congenital hypothyroidism. In summary, although additional studies are required to fully establish a null effect on the protein, the p.Asn192X variant in the GLIS3 gene is likely pathogenic for neonatal diabetes mellitus with conge nital hypothyroidism in an autosomal recessive manner based on its predicted imp act on the protein.

NM_001042413.2(GLIS3):c.571_572dup (p.Leu191_Asn192insTer)

Gene: GLIS3 (GLIS family zinc finger 3; minus strand). Cytogenetic location: 9p24.2.
Variant type: Duplication.
Coding change: c.571_572dup on transcript NM_001042413.2 (MANE Select); coding-DNA positions 571 to 572, 2 bases duplicated (CT; older notation c.571_572dupCT).
Protein change: p.Leu191_Asn192insTer.
Molecular consequence: frameshift variant.
Genome position (GRCh38, 1-based): chr9:4,125,758-4,125,759, AG duplicated on the plus strand (CT on the coding strand, the reverse complement: GLIS3 is on the minus strand). VCF-style (leftmost placement, unchanged base first): chr9-4125757-C-CAG. GRCh37 (hg19) VCF-style: chr9-4125757-C-CAG.
Other names: c.106_107dup, p.Leu36_Asn37insTer (NM_152629.4).
Identifiers: ClinVar variation 667376 (VCV000667376.5), dbSNP rs1586744173, ClinGen allele CA915947386.